The following is an entry in ClinVar:

NM_013254.4(TBK1):c.73C>T (p.Arg25Cys)

Gene: TBK1 (TANK binding kinase 1; plus strand). Cytogenetic location: 12q14.2.
Variant type: single nucleotide variant.
Coding change: c.73C>T on transcript NM_013254.4 (MANE Select); coding-DNA position 73, C replaced by T.
Protein change: p.Arg25Cys; replaces arginine 25 with cysteine.
Molecular consequence: missense variant.
Genome position (GRCh38, 1-based): chr12:64,455,943, C>T. VCF-style: chr12-64455943-C-T. GRCh37 (hg19) VCF-style: chr12-64849723-C-T.
Other names: short protein forms R25C.
Identifiers: ClinVar variation 3058425 (VCV003058425.4), dbSNP rs749461125, ClinGen allele CA6668706.

ClinVar aggregate classification (germline): Uncertain significance. Review status: criteria provided, single submitter (1 of 4 stars). 2 submissions from 2 submitters: Uncertain significance (1). 1 of the submissions does not count toward it. Last evaluated 2024-05-02.

Conditions:
TBK1-related disorder. Also called: TBK1-related condition.
Frontotemporal dementia and/or amyotrophic lateral sclerosis 4. Also called: FTDALS4. Identifiers: Orphanet 275872, MedGen C4225325, MONDO:0014641, OMIM 616439.

Allele frequency attached by ClinVar (database versions not stated): ExAC 0.00001; gnomAD 0.00001; gnomAD exomes 0.00001; TOPMed 0.00002.
gnomAD v4.1: 12 of 1,613,004 alleles (0.00074%); highest among the groups gnomAD compares: African/African-American, 0.004%; no homozygotes.

Submissions (2):

Labcorp Genetics (formerly Invitae), Labcorp
Classification: Uncertain significance for Frontotemporal dementia and/or amyotrophic lateral sclerosis 4. Last evaluated: 2024-05-02. Review status: criteria provided, single submitter. Criteria: Invitae Variant Classification Sherloc (09022015). Collection method: clinical testing. Allele origin: germline.
Comment: This sequence change replaces arginine, which is basic and polar, with cysteine, which is neutral and slightly polar, at codon 25 of the TBK1 protein (p.Arg25Cys). This variant is present in population databases (rs749461125, gnomAD 0.003%). This variant has not been reported in the literature in individuals affected with TBK1-related conditions. Advanced modeling of protein sequence and biophysical properties (such as structural, functional, and spatial information, amino acid conservation, physicochemical variation, residue mobility, and thermodynamic stability) performed at Invitae indicates that this missense variant is not expected to disrupt TBK1 protein function with a negative predictive value of 95%. In summary, the available evidence is currently insufficient to determine the role of this variant in disease. Therefore, it has been classified as a Variant of Uncertain Significance.

PreventionGenetics, part of Exact Sciences
Classification: Uncertain significance for TBK1-related condition. Last evaluated: 2023-10-27. Review status: no assertion criteria provided. Collection method: clinical testing. Allele origin: germline. Not counted in ClinVar's aggregate classification.
Comment: The TBK1 c.73C>T variant is predicted to result in the amino acid substitution p.Arg25Cys. To our knowledge, this variant has not been reported in the literature; however, another single nucleotide variant impacting the same amino acid (c.74G>A, p.Arg25His) has been reported in individual(s) with amyotrophic lateral sclerosis (Cirulli ET et al. 2015. PubMed ID: 25700176). This variant is reported in 0.0033% of alleles in individuals of South Asian descent in gnomAD. At this time, the clinical significance of this variant is uncertain due to the absence of conclusive functional and genetic evidence.